The following is an entry in ClinVar:

ClinVar aggregate classification (germline): Likely pathogenic (1 of 4 stars; one submission).

Submission:

GeneDx
Classification: Likely pathogenic. Last evaluated: 2025-12-29. Review status: criteria provided, single submitter. Criteria: GeneDx Variant Classification Process June 2021. Collection method: clinical testing. Allele origin: germline.
Comment: Nonsense variant predicted to result in protein truncation or nonsense mediated decay in a gene for which loss of function is a known mechanism of disease; Not observed at significant frequency in large population cohorts (gnomAD); Has not been previously published as pathogenic or benign to our knowledge

NM_001256012.3(MYH10):c.1480C>T (p.Gln494Ter)

Gene: MYH10 (myosin heavy chain 10; minus strand). Cytogenetic location: 17p13.1.
Variant type: single nucleotide variant.
Coding change: c.1480C>T on transcript NM_001256012.3 (MANE Select); coding-DNA position 1480, C replaced by T.
Protein change: p.Gln494Ter; replaces glutamine 494 with a stop codon.
Molecular consequence: nonsense.
Genome position (GRCh38, 1-based): chr17:8,542,232, G>A on the plus strand (C>T on the coding strand, the complement: MYH10 is on the minus strand). VCF-style: chr17-8542232-G-A. GRCh37 (hg19) VCF-style: chr17-8445550-G-A.
Other names: c.1477C>T, p.Gln493Ter (NM_001256095.2); c.1480C>T, p.Gln494Ter (NM_001375266.1); c.1450C>T, p.Gln484Ter (NM_005964.5); short protein forms Q484*, Q493*, Q494*.
Identifiers: ClinVar variation 4527601 (VCV004527601.2).